The following is an entry in ClinVar:

ClinVar aggregate classification (germline): Likely benign. Review status: criteria provided, multiple submitters, no conflicts (2 of 4 stars). 7 submissions from 7 submitters: Likely benign (5). 2 of the submissions do not count toward it. Last evaluated 2026-08-01.

Conditions:
Developmental and epileptic encephalopathy, 53. Also called: Epileptic encephalopathy, early infantile, 53. Identifiers: MedGen C4479313, MONDO:0033362, OMIM 617389.
Early-onset Parkinson disease 20. Also called: PARKINSON DISEASE 20, AUTOSOMAL RECESSIVE EARLY-ONSET. Identifiers: Orphanet 391411, MedGen C3809824, MONDO:0014233, OMIM 615530.

Allele frequency attached by ClinVar (database versions not stated): 1000 Genomes Project 30x 0.00016; TOPMed 0.00070; ExAC 0.00078; gnomAD exomes 0.00079 and 0.00117; gnomAD 0.00083 and 0.00088; ESP Exome Variant Server 0.00123.
gnomAD v4.1: 1,820 of 1,613,830 alleles (0.11%); highest among the groups gnomAD compares: Non-Finnish European, 0.14%; no homozygotes.

Submissions (7):

CeGaT Center for Human Genetics Tuebingen
Classification: Likely benign. Last evaluated: 2026-08-01. Review status: criteria provided, single submitter. Criteria: CeGaT Center For Human Genetics Tuebingen Variant Classification Criteria Version 2. Collection method: clinical testing. Allele origin: germline. Affected: yes. Observed: 7 variant alleles.
Comment: SYNJ1: BP4, BP7

Labcorp Genetics (formerly Invitae), Labcorp
Classification: Likely benign for Developmental and epileptic encephalopathy, 53; Early-onset Parkinson disease 20. Last evaluated: 2026-02-03. Review status: criteria provided, single submitter. Criteria: Invitae Variant Classification Sherloc (09022015). Collection method: clinical testing. Allele origin: germline.

Mayo Clinic Laboratories, Mayo Clinic
Classification: Likely benign. Last evaluated: 2025-06-09. Review status: criteria provided, single submitter. Criteria: ACMG Guidelines, 2015. Collection method: clinical testing. Allele origin: germline. Observed: 1 variant allele.
Comment: BS1, BP4, BP7

Blueprint Genetics
Classification: Likely benign. Last evaluated: 2024-10-24. Review status: criteria provided, single submitter. Criteria: ACMG Guidelines, 2015. Collection method: clinical testing. Allele origin: germline.

GeneDx
Classification: Likely benign. Last evaluated: 2020-05-29. Review status: criteria provided, single submitter. Criteria: GeneDx Variant Classification Process June 2021. Collection method: clinical testing. Allele origin: germline. Affected: yes.

Clinical Genetics DNA and cytogenetics Diagnostics Lab, Erasmus MC, Erasmus Medical Center
Classification: Likely benign. Review status: no assertion criteria provided. Collection method: clinical testing. Allele origin: germline. Affected: yes. Study: VKGL Data-share Consensus. Not counted in ClinVar's aggregate classification.

Genome Diagnostics Laboratory, University Medical Center Utrecht
Classification: Likely benign. Review status: no assertion criteria provided. Collection method: clinical testing. Allele origin: germline. Affected: yes. Study: VKGL Data-share Consensus. Not counted in ClinVar's aggregate classification.

NM_203446.3(SYNJ1):c.2346G>A (p.Pro782=)

Gene: SYNJ1 (synaptojanin 1; minus strand). Cytogenetic location: 21q22.11.
Variant type: single nucleotide variant.
Coding change: c.2346G>A on transcript NM_203446.3 (MANE Select); coding-DNA position 2346, G replaced by A.
Protein change: p.Pro782=; no amino-acid change (proline 782 retained).
Molecular consequence: synonymous variant.
Genome position (GRCh38, 1-based): chr21:32,657,831, C>T on the plus strand (G>A on the coding strand, the complement: SYNJ1 is on the minus strand). VCF-style: chr21-32657831-C-T. GRCh37 (hg19) VCF-style: chr21-34030141-C-T.
Other names: p.Pro821=; c.2346G>A, p.Pro782= (NM_001160302.2); c.2331G>A, p.Pro777= (NM_001160306.2); c.2463G>A, p.Pro821= (NM_003895.4).
Identifiers: ClinVar variation 478333 (VCV000478333.48), dbSNP rs61753644, ClinGen allele CA10003678.
Genomic context (GRCh38, chr21:32,657,831, plus strand): 5'-AGGGGTGCGGCACTTTTCACTGGTGTCATAGTCGTCAGAAAACAAGTCATACTTATATGT[C>T]GGAGCAAAGGTTACCTTTCCTTCTAAAAATCCTCTAAAAACCTAAAATAAACATATACAA-3'
Protein context (NP_982271.3, residues 772-792): GFLEGKVTFA[Pro782=]TYKYDLFSDD